The following is an entry in ClinVar:

ClinVar aggregate classification (germline): Likely benign. Review status: criteria provided, multiple submitters, no conflicts (2 of 4 stars). 2 submissions from 2 submitters: Likely benign (2). Last evaluated 2025-10-25.

Conditions:
RASopathy. Also called: rasopathies; Noonan spectrum disorder. Identifiers: Orphanet 536391, MedGen C5555857, MONDO:0021060.

Allele frequency attached by ClinVar (database versions not stated): gnomAD exomes below 0.00001 and 0.00002; ExAC 0.00002.
gnomAD v4.1: 6 of 1,608,298 alleles (0.00037%); highest among the groups gnomAD compares: Admixed American, 0.01%; 1 homozygote.

Submissions (2):

Labcorp Genetics (formerly Invitae), Labcorp
Classification: Likely benign for RASopathy. Last evaluated: 2025-10-25. Review status: criteria provided, single submitter. Criteria: Invitae Variant Classification Sherloc (09022015). Collection method: clinical testing. Allele origin: germline.

GeneDx
Classification: Likely benign. Last evaluated: 2016-12-16. Review status: criteria provided, single submitter. Criteria: GeneDx Variant Classification (06012015). Collection method: clinical testing. Allele origin: germline. Affected: yes.
Comment: This variant is considered likely benign or benign based on one or more of the following criteria: it is a conservative change, it occurs at a poorly conserved position in the protein, it is predicted to be benign by multiple in silico algorithms, and/or has population frequency not consistent with disease.

NM_002755.4(MAP2K1):c.568+11A>T

Gene: MAP2K1 (mitogen-activated protein kinase kinase 1; plus strand). Cytogenetic location: 15q22.31.
Variant type: single nucleotide variant.
Coding change: c.568+11A>T on transcript NM_002755.4 (MANE Select); 11 bases into the intron after coding-DNA position 568, A replaced by T.
Molecular consequence: intron variant.
Genome position (GRCh38, 1-based): chr15:66,444,718, A>T. VCF-style: chr15-66444718-A-T. GRCh37 (hg19) VCF-style: chr15-66737056-A-T.
Identifiers: ClinVar variation 391970 (VCV000391970.5), dbSNP rs769848510, ClinGen allele CA7623969.